The following is an entry in ClinVar:

NM_030665.4(RAI1):c.1132A>G (p.Ser378Gly)

Gene: RAI1 (retinoic acid induced 1; plus strand). Cytogenetic location: 17p11.2.
Variant type: single nucleotide variant.
Coding change: c.1132A>G on transcript NM_030665.4 (MANE Select); coding-DNA position 1132, A replaced by G.
Protein change: p.Ser378Gly; replaces serine 378 with glycine.
Molecular consequence: missense variant.
Genome position (GRCh38, 1-based): chr17:17,794,080, A>G. VCF-style: chr17-17794080-A-G. GRCh37 (hg19) VCF-style: chr17-17697394-A-G.
Other names: c.1132A>G (NM_030665.3); short protein forms S378G.
Identifiers: ClinVar variation 1986109 (VCV001986109.5), dbSNP rs1329394727, ClinGen allele CA398546961.

ClinVar aggregate classification (germline): Benign. Review status: criteria provided, single submitter (1 of 4 stars). 2 submissions from 2 submitters: Benign (1). 1 of the submissions does not count toward it. Last evaluated 2023-08-10.

Conditions:
RAI1-related disorder. Also called: RAI1-related condition.

Allele frequency attached by ClinVar (database versions not stated): TOPMed below 0.00001; gnomAD exomes 0.00001.

Submissions (2):

Labcorp Genetics (formerly Invitae), Labcorp
Classification: Benign. Last evaluated: 2023-08-10. Review status: criteria provided, single submitter. Criteria: Invitae Variant Classification Sherloc (09022015). Collection method: clinical testing. Allele origin: germline.

PreventionGenetics, part of Exact Sciences
Classification: Uncertain significance for RAI1-related condition. Last evaluated: 2024-03-15. Review status: no assertion criteria provided. Collection method: clinical testing. Allele origin: germline. Not counted in ClinVar's aggregate classification.
Comment: The RAI1 c.1132A>G variant is predicted to result in the amino acid substitution p.Ser378Gly. To our knowledge, this variant has not been reported in the literature. This variant is reported in 0.0065% of alleles in individuals of South Asian descent in gnomAD. At this time, the clinical significance of this variant is uncertain due to the absence of conclusive functional and genetic evidence.